The following is an entry in ClinVar:

ClinVar aggregate classification (germline): Likely benign (0 of 4 stars; one submission).

Conditions:
ADCY3-related disorder. Also called: ADCY3-related condition.

Allele frequency attached by ClinVar (database versions not stated): gnomAD exomes 0.00001; ExAC 0.00003; gnomAD 0.00003; TOPMed 0.00003; 1000 Genomes Project 30x 0.00016; 1000 Genomes Project 0.00020.
gnomAD v4.1: 26 of 1,612,656 alleles (0.0016%); highest among the groups gnomAD compares: Admixed American, 0.023%; no homozygotes.

Submission:

PreventionGenetics, part of Exact Sciences
Classification: Likely benign for ADCY3-related condition. Last evaluated: 2021-06-30. Review status: no assertion criteria provided. Collection method: clinical testing. Allele origin: germline.
Comment: This variant is classified as likely benign based on ACMG/AMP sequence variant interpretation guidelines (Richards et al. 2015 PMID: 25741868, with internal and published modifications).

NM_004036.5(ADCY3):c.1663-5C>T

Gene: ADCY3 (adenylate cyclase 3; minus strand). Cytogenetic location: 2p23.3.
Variant type: single nucleotide variant.
Coding change: c.1663-5C>T on transcript NM_004036.5 (MANE Select); 5 bases into the intron before coding-DNA position 1663, C replaced by T.
Molecular consequence: intron variant.
Genome position (GRCh38, 1-based): chr2:24,834,941, G>A on the plus strand (C>T on the coding strand, the complement: ADCY3 is on the minus strand). VCF-style: chr2-24834941-G-A. GRCh37 (hg19) VCF-style: chr2-25057810-G-A.
Other names: c.1663-5C>T (NM_001377130.1, NM_001377129.1, NM_001320613.2 and 1 more transcripts); c.1729-5C>T (NM_001377128.1); c.940-5C>T (NM_001377131.1).
Identifiers: ClinVar variation 3036590 (VCV003036590.2), dbSNP rs188231295, ClinGen allele CA1554040.